The following is an entry in ClinVar:

ClinVar aggregate classification (germline): Uncertain significance (1 of 4 stars; one submission).

Submission:

Dasa
Classification: Uncertain significance. Last evaluated: 2025-07-14. Review status: criteria provided, single submitter. Criteria: DASA Assertion Criteria. Collection method: clinical testing. Allele origin: germline.
Comment: NM_182641.4(BPTF):c.290G>A (p.Gly97Asp) is a missense variant that results in the substitution of glycine with aspartic acid. This variant is absent from population databases. The currently available literature and clinical evidence are not sufficient to establish a definitive association between this variant and the reported condition. Therefore, this variant is classified as a variant of uncertain significance.

NM_182641.4(BPTF):c.290G>A (p.Gly97Asp)

Gene: BPTF (bromodomain PHD finger transcription factor; plus strand). Cytogenetic location: 17q24.2.
Variant type: single nucleotide variant.
Coding change: c.290G>A on transcript NM_182641.4 (MANE Select); coding-DNA position 290, G replaced by A.
Protein change: p.Gly97Asp; replaces glycine 97 with aspartic acid.
Molecular consequence: missense variant.
Genome position (GRCh38, 1-based): chr17:67,826,014, G>A. VCF-style: chr17-67826014-G-A. GRCh37 (hg19) VCF-style: chr17-65822130-G-A.
Other names: c.290G>A, p.Gly97Asp (NM_001439139.1, NM_001439140.1, NM_001439141.1 and 4 more transcripts); short protein forms G97D.
Identifiers: ClinVar variation 4883456 (VCV004883456.2).